The following is an entry in ClinVar:

ClinVar aggregate classification (germline): Uncertain significance (1 of 4 stars; one submission).

Submission:

Labcorp Genetics (formerly Invitae), Labcorp
Classification: Uncertain significance. Last evaluated: 2022-04-16. Review status: criteria provided, single submitter. Criteria: Invitae Variant Classification Sherloc (09022015). Collection method: clinical testing. Allele origin: germline.
Comment: In summary, the available evidence is currently insufficient to determine the role of this variant in disease. Therefore, it has been classified as a Variant of Uncertain Significance. Experimental studies and prediction algorithms are not available or were not evaluated, and the functional significance of this variant is currently unknown. This variant has not been reported in the literature in individuals affected with KATNB1-related conditions. Information on the frequency of this variant in the gnomAD database is not available, as this variant may be reported differently in the database. This sequence change replaces histidine, which is basic and polar, with aspartic acid, which is acidic and polar, at codon 614 of the KATNB1 protein (p.His614Asp).

NM_005886.3(KATNB1):c.1839_1840delinsAG (p.His614Asp)

Gene: KATNB1 (katanin regulatory subunit B1; plus strand). Cytogenetic location: 16q21.
Variant type: Indel.
Coding change: c.1839_1840delinsAG on transcript NM_005886.3 (MANE Select); coding-DNA positions 1839 to 1840, GC replaced by AG.
Protein change: p.His614Asp; replaces histidine 614 with aspartic acid.
Molecular consequence: missense variant.
Genome position (GRCh38, 1-based): chr16:57,756,817-57,756,818, GC replaced by AG. VCF-style: chr16-57756817-GC-AG. GRCh37 (hg19) VCF-style: chr16-57790729-GC-AG.
Other names: short protein forms H614D.
Identifiers: ClinVar variation 1906756 (VCV001906756.4), dbSNP rs2543431400, ClinGen allele CA2580091728.
Genomic context (GRCh38, chr16:57,756,817, plus strand): 5'-GTTGGGTGTGGGTGGTGGTGGTGCCAGCTAGCCCCTCAGGCACTGCCCTCTCTACAGGCT[GC>AG]ATAAGTGCCGGCTCTGCTACAAGCAGCTTAAGAGCATCAGCGGCCTGGTCAAGAGCAAGT-3'
Protein context (NP_005877.2, residues 604-624): GVDISREERL[His614Asp]KCRLCYKQLK